The following is an entry in ClinVar:

ClinVar aggregate classification (germline): Uncertain significance (1 of 4 stars; one submission).

Conditions:
Diamond-Blackfan anemia 5 (DBA5). Also called: RPL35A-Related Diamond-Blackfan Anemia. Identifiers: Orphanet 124, MedGen C2675859, MONDO:0012925, OMIM 612528.

Submission:

Labcorp Genetics (formerly Invitae), Labcorp
Classification: Uncertain significance for Diamond-Blackfan anemia 5. Last evaluated: 2022-10-20. Review status: criteria provided, single submitter. Criteria: Invitae Variant Classification Sherloc (09022015). Collection method: clinical testing. Allele origin: germline.
Comment: A copy number gain of the genomic region encompassing the full coding sequence of the RPL35A gene has been identified. The boundaries of this event are unknown as they extend beyond the assayed region for this gene and therefore may encompass additional genes. As the precise location of this event is unknown, it may be in tandem or it may be located elsewhere in the genome. This variant has not been reported in the literature in individuals affected with RPL35A-related conditions. In summary, the available evidence is currently insufficient to determine the role of this variant in disease. Therefore, it has been classified as a Variant of Uncertain Significance.

NC_000003.12:g.(?_197950968)_(197955773_?)dup

Genes: DRC9 (dynein regulatory complex subunit 9; minus strand), RPL35A (ribosomal protein L35a; plus strand). Cytogenetic location: 3q29.
Variant type: Duplication.
Identifiers: ClinVar variation 830931 (VCV000830931.2).